The following is an entry in ClinVar:

NM_001164508.2(NEB):c.23276C>G (p.Ala7759Gly)

Genes: NEB (nebulin; minus strand), RIF1 (replication timing regulatory factor 1; plus strand). Cytogenetic location: 2q23.3.
Variant type: single nucleotide variant.
Coding change: c.23276C>G on transcript NM_001164508.2 (MANE Select); coding-DNA position 23276, C replaced by G.
Protein change: p.Ala7759Gly; replaces alanine 7759 with glycine.
Molecular consequence: missense variant.
Genome position (GRCh38, 1-based): chr2:151,512,803, G>C on the plus strand (C>G on the coding strand, the complement: NEB is on the minus strand). VCF-style: chr2-151512803-G-C. GRCh37 (hg19) VCF-style: chr2-152369317-G-C.
Other names: c.23276C>G, p.Ala7759Gly (NM_001164507.2); c.23381C>G, p.Ala7794Gly (NM_001271208.2); c.18173C>G, p.Ala6058Gly (NM_004543.5); short protein forms A6058G, A7759G, A7794G.
Identifiers: ClinVar variation 3251419 (VCV003251419.1), dbSNP rs1008566957.
Genomic context (GRCh38, chr2:151,512,803, plus strand): 5'-AGATTCTTGACTTGTTGGGCATGAATGATCTCTGGAGTATCAACCACAGAAGTGAAATTG[G>C]CTTTCTCCATTTCTGCTGATTGCTTATACTTAATCTGTAAAACAACACCGAATAGTTGGG-3'
Protein context (NP_001157980.2, residues 7749-7769): KYKQSAEMEK[Ala7759Gly]NFTSVVDTPE

ClinVar aggregate classification (germline): Uncertain significance (1 of 4 stars; one submission).

Submission:

Women's Health and Genetics/Laboratory Corporation of America, LabCorp
Classification: Uncertain significance. Last evaluated: 2024-04-09. Review status: criteria provided, single submitter. Criteria: LabCorp Variant Classification Summary - May 2015. Collection method: clinical testing. Allele origin: germline.
Comment: Variant summary: NEB c.23381C>G (p.Ala7794Gly) results in a non-conservative amino acid change in the encoded protein sequence. Three of five in-silico tools predict a damaging effect of the variant on protein function. The variant was absent in 248822 control chromosomes. The available data on variant occurrences in the general population are insufficient to allow any conclusion about variant significance. To our knowledge, no occurrence of c.23381C>G in individuals affected with Nemaline Myopathy 2 and no experimental evidence demonstrating its impact on protein function have been reported. No submitters have cited clinical-significance assessments for this variant to ClinVar. Based on the evidence outlined above, the variant was classified as uncertain significance.